The following is an entry in ClinVar:

ClinVar aggregate classification (germline): Uncertain significance (1 of 4 stars; one submission).

gnomAD v4.1: 2 of 1,612,882 alleles (0.00012%); highest among the groups gnomAD compares: Admixed American, 0.0033%; no homozygotes.

Submission:

Greenwood Genetic Center Diagnostic Laboratories, Greenwood Genetic Center
Classification: Uncertain significance. Last evaluated: 2025-05-06. Review status: criteria provided, single submitter. Criteria: ACMG Guidelines, 2015. Collection method: clinical testing. Allele origin: germline. Affected: yes.
Comment: PM2, BP4

NM_001037132.4(NRCAM):c.574G>A (p.Glu192Lys)

Gene: NRCAM (neuronal cell adhesion molecule; minus strand). Cytogenetic location: 7q31.1.
Variant type: single nucleotide variant.
Coding change: c.574G>A on transcript NM_001037132.4 (MANE Select); coding-DNA position 574, G replaced by A.
Protein change: p.Glu192Lys; replaces glutamic acid 192 with lysine.
Molecular consequence: missense variant. On other transcripts: 5 prime UTR variant (1), non-coding transcript variant (5).
Genome position (GRCh38, 1-based): chr7:108,226,355, C>T on the plus strand (G>A on the coding strand, the complement: NRCAM is on the minus strand). VCF-style: chr7-108226355-C-T. GRCh37 (hg19) VCF-style: chr7-107866799-C-T.
Other names: c.574G>A, p.Glu192Lys (NM_001371150.1, NM_001371153.1, NM_001371154.1 and 39 more transcripts); c.556G>A, p.Glu186Lys (NM_001371151.1, NM_001371152.1, NM_001371157.1 and 11 more transcripts); c.286G>A, p.Glu96Lys (NM_001371170.1, NM_001371125.1, NM_001371142.1 and 6 more transcripts); c.-185G>A (NM_001371137.1); short protein forms E186K, E192K, E96K.
Identifiers: ClinVar variation 4538215 (VCV004538215.1).